The following is an entry in ClinVar:

ClinVar aggregate classification (germline): Uncertain significance. Review status: criteria provided, multiple submitters, no conflicts (2 of 4 stars). 2 submissions from 2 submitters: Uncertain significance (2). Last evaluated 2024-06-17.

Conditions:
Familial focal epilepsy with variable foci (FPEVF). Identifiers: Orphanet 98820, MedGen C1858477, MONDO:0020310.

Allele frequency attached by ClinVar (database versions not stated): gnomAD exomes below 0.00001; TOPMed below 0.00001; gnomAD 0.00001.

Submissions (2):

Labcorp Genetics (formerly Invitae), Labcorp
Classification: Uncertain significance for Familial focal epilepsy with variable foci. Last evaluated: 2024-06-17. Review status: criteria provided, single submitter. Criteria: Invitae Variant Classification Sherloc (09022015). Collection method: clinical testing. Allele origin: germline.
Comment: This sequence change replaces tyrosine, which is neutral and polar, with cysteine, which is neutral and slightly polar, at codon 306 of the DEPDC5 protein (p.Tyr306Cys). This variant is not present in population databases (gnomAD no frequency). This variant has not been reported in the literature in individuals affected with DEPDC5-related conditions. Experimental studies and prediction algorithms are not available or were not evaluated, and the functional significance of this variant is currently unknown. In summary, the available evidence is currently insufficient to determine the role of this variant in disease. Therefore, it has been classified as a Variant of Uncertain Significance.

Blueprint Genetics
Classification: Uncertain significance. Last evaluated: 2023-07-27. Review status: criteria provided, single submitter. Criteria: ACMG Guidelines, 2015. Collection method: clinical testing. Allele origin: germline.

NM_001242896.3(DEPDC5):c.917A>G (p.Tyr306Cys)

Gene: DEPDC5 (DEP domain containing 5, GATOR1 subcomplex subunit; plus strand). Cytogenetic location: 22q12.2.
Variant type: single nucleotide variant.
Coding change: c.917A>G on transcript NM_001242896.3 (MANE Select); coding-DNA position 917, A replaced by G.
Protein change: p.Tyr306Cys; replaces tyrosine 306 with cysteine.
Molecular consequence: missense variant. On other transcripts: non-coding transcript variant (5).
Genome position (GRCh38, 1-based): chr22:31,798,627, A>G. VCF-style: chr22-31798627-A-G. GRCh37 (hg19) VCF-style: chr22-32194613-A-G.
Other names: c.917A>G, p.Tyr306Cys (NM_001007188.4, NM_001136029.4, NM_001242897.2 and 7 more transcripts); c.833A>G, p.Tyr278Cys (NM_001369901.1, NM_001369902.1); short protein forms Y306C, Y278C.
Identifiers: ClinVar variation 3010793 (VCV003010793.4), dbSNP rs2086525202, ClinGen allele CA411291708.